The following is an entry in ClinVar:

ClinVar aggregate classification (germline): Pathogenic (1 of 4 stars; one submission).

Conditions:
Kabuki syndrome 1 (KABUK1). Also called: KMT2D-Related Kabuki Syndrome. Identifiers: Orphanet 2322, MedGen CN030661, MONDO:0007843, OMIM 147920.

Submission:

Institute of Human Genetics, Heidelberg University
Classification: Pathogenic for Kabuki syndrome 1. Last evaluated: 2025-06-20. Review status: criteria provided, single submitter. Criteria: ACMG Guidelines, 2015. Collection method: clinical testing. Allele origin: germline. Affected: yes. Observed: 1 variant allele.
Comment: PVS1_vs, PS2_s, PM2_supp, PS4_supp, PP4_supp

NM_003482.4(KMT2D):c.13906C>T (p.Gln4636Ter)

Gene: KMT2D (lysine methyltransferase 2D; minus strand). Cytogenetic location: 12q13.12.
Variant type: single nucleotide variant.
Coding change: c.13906C>T on transcript NM_003482.4 (MANE Select); coding-DNA position 13906, C replaced by T.
Protein change: p.Gln4636Ter; replaces glutamine 4636 with a stop codon.
Molecular consequence: nonsense.
Genome position (GRCh38, 1-based): chr12:49,030,373, G>A on the plus strand (C>T on the coding strand, the complement: KMT2D is on the minus strand). VCF-style: chr12-49030373-G-A. GRCh37 (hg19) VCF-style: chr12-49424156-G-A.
Other names: short protein forms Q4636*.
Identifiers: ClinVar variation 4277237 (VCV004277237.1).
Genomic context (GRCh38, chr12:49,030,373, plus strand): 5'-CAGCATCCTTGGGGTGCTCCCCCAGCTCTTCAGATGGGGTGACGCCATTCACCATCTTCT[G>A]CTGCACCGATGGGGGTGGGGTGGGGGGCAGCGACGAGGGTGGTGTCGGCGGGTTACTCAG-3'